The following is an entry in ClinVar:

ClinVar aggregate classification (germline): Uncertain significance (1 of 4 stars; one submission).

Conditions:
Interstitial lung disease 2 (ILD2). Also called: Familial idiopathic pulmonary fibrosis; FIBROCYSTIC PULMONARY DYSPLASIA; FIBROSING ALVEOLITIS, CRYPTOGENIC. Identifiers: Orphanet 2032, Orphanet 79126, MedGen C5561926, MONDO:0800497, OMIM 178500, MONDO:0800029.
Dyskeratosis congenita, autosomal dominant 2. Identifiers: MedGen C3151443, MONDO:0013521, OMIM 613989.

Submission:

Labcorp Genetics (formerly Invitae), Labcorp
Classification: Uncertain significance for Dyskeratosis congenita, autosomal dominant, 2; Idiopathic fibrosing alveolitis, chronic form. Last evaluated: 2019-05-30. Review status: criteria provided, single submitter. Criteria: Invitae Variant Classification Sherloc (09022015). Collection method: clinical testing. Allele origin: germline.
Comment: This sequence change replaces arginine with glycine at codon 1086 of the TERT protein (p.Arg1086Gly). The arginine residue is weakly conserved and there is a moderate physicochemical difference between arginine and glycine. This variant is not present in population databases (ExAC no frequency). This variant has not been reported in the literature in individuals with TERT-related conditions. Algorithms developed to predict the effect of missense changes on protein structure and function output the following: SIFT: "Tolerated"; PolyPhen-2: "Benign"; Align-GVGD: "Class C0". The glycine amino acid residue is found in multiple mammalian species, suggesting that this missense change does not adversely affect protein function. These predictions have not been confirmed by published functional studies and their clinical significance is uncertain. In summary, the available evidence is currently insufficient to determine the role of this variant in disease. Therefore, it has been classified as a Variant of Uncertain Significance.

NM_198253.3(TERT):c.3256C>G (p.Arg1086Gly)

Gene: TERT (telomerase reverse transcriptase; minus strand). Cytogenetic location: 5p15.33.
Variant type: single nucleotide variant.
Coding change: c.3256C>G on transcript NM_198253.3 (MANE Select); coding-DNA position 3256, C replaced by G.
Protein change: p.Arg1086Gly; replaces arginine 1086 with glycine.
Molecular consequence: missense variant. On other transcripts: non-coding transcript variant (2).
Genome position (GRCh38, 1-based): chr5:1,254,407, G>C on the plus strand (C>G on the coding strand, the complement: TERT is on the minus strand). VCF-style: chr5-1254407-G-C. GRCh37 (hg19) VCF-style: chr5-1254522-G-C.
Other names: c.3067C>G, p.Arg1023Gly (NM_001193376.3); short protein forms R1023G, R1086G.
Identifiers: ClinVar variation 951456 (VCV000951456.1), dbSNP rs1747563544, ClinGen allele CA359067201.